The following is an entry in ClinVar:

ClinVar aggregate classification (germline): Conflicting classifications of pathogenicity. Review status: criteria provided, conflicting classifications (1 of 4 stars). 2 submissions from 2 submitters: Uncertain significance (1); Likely benign (1). Last evaluated 2019-11-26.

Allele frequency attached by ClinVar (database versions not stated): gnomAD exomes 0.00001; TOPMed 0.00001.
gnomAD v4.1: 4 of 1,614,186 alleles (0.00025%); highest among the groups gnomAD compares: Admixed American, 0.0033%; no homozygotes.

Submissions (2):

GeneDx
Classification: Uncertain significance. Last evaluated: 2019-11-26. Review status: criteria provided, single submitter. Criteria: GeneDx Variant Classification Process June 2021. Collection method: clinical testing. Allele origin: germline. Affected: yes.
Comment: Not observed in large population cohorts (Lek et al., 2016); Not predicted to affect splicing; Has not been previously published as pathogenic or benign to our knowledge

Labcorp Genetics (formerly Invitae), Labcorp
Classification: Likely benign. Last evaluated: 2018-04-23. Review status: criteria provided, single submitter. Criteria: Invitae Variant Classification Sherloc (09022015). Collection method: clinical testing. Allele origin: germline.

NM_002700.3(POU4F3):c.228C>T (p.Pro76=)

Genes: POU4F3 (POU class 4 homeobox 3; plus strand), RBM27-POU4F3 (RBM27-POU4F3 readthrough; plus strand). Cytogenetic location: 5q32.
Variant type: single nucleotide variant.
Coding change: c.228C>T on transcript NM_002700.3 (MANE Select); coding-DNA position 228, C replaced by T.
Protein change: p.Pro76=; no amino-acid change (proline 76 retained).
Molecular consequence: synonymous variant.
Genome position (GRCh38, 1-based): chr5:146,339,655, C>T. VCF-style: chr5-146339655-C-T. GRCh37 (hg19) VCF-style: chr5-145719218-C-T.
Identifiers: ClinVar variation 741239 (VCV000741239.6), dbSNP rs1581278124, ClinGen allele CA446918674.
Genomic context (GRCh38, chr5:146,339,655, plus strand): 5'-CGCCGAAGCTCTGGCGGCGGTGGATATCGTCTCCCACGGCAAGAACCATCCGTTCAAGCC[C>T]GACGCCACCTACCATACCATGAGCAGCGTGCCCTGCACGTCCACTTCGTCCACCGTGCCC-3'
Protein context (NP_002691.1, residues 66-86): VSHGKNHPFK[Pro76=]DATYHTMSSV